The following is an entry in ClinVar:

ClinVar aggregate classification (germline): Benign. Review status: criteria provided, multiple submitters, no conflicts (2 of 4 stars). 2 submissions from 2 submitters: Benign (2). Last evaluated 2018-06-14.

Allele frequency attached by ClinVar (database versions not stated): 1000 Genomes Project 0.36921; 1000 Genomes Project 30x 0.37102; gnomAD exomes 0.37565; TOPMed 0.38991; gnomAD 0.39158 and 0.39540.
gnomAD v4.1: 437,120 of 1,157,510 alleles (38%); highest among the groups gnomAD compares: African/African-American, 43%; 83,418 homozygotes.

Submissions (2):

GeneDx
Classification: Benign. Last evaluated: 2018-06-14. Review status: criteria provided, single submitter. Criteria: GeneDx Variant Classification (06012015). Collection method: clinical testing. Allele origin: germline. Affected: yes.
Comment: This variant is considered likely benign or benign based on one or more of the following criteria: it is a conservative change, it occurs at a poorly conserved position in the protein, it is predicted to be benign by multiple in silico algorithms, and/or has population frequency not consistent with disease.

Breakthrough Genomics
Classification: Benign. Review status: criteria provided, single submitter. Criteria: ACMG Guidelines, 2015. Collection method: not provided. Allele origin: germline. Inheritance: Autosomal recessive inheritance. Affected: yes.

NM_001943.5(DSG2):c.81+86G>A

Gene: DSG2 (desmoglein 2; plus strand). Cytogenetic location: 18q12.1.
Variant type: single nucleotide variant.
Coding change: c.81+86G>A on transcript NM_001943.5 (MANE Select); 86 bases into the intron after coding-DNA position 81, G replaced by A.
Molecular consequence: intron variant.
Genome position (GRCh38, 1-based): chr18:31,518,360, G>A. VCF-style: chr18-31518360-G-A. GRCh37 (hg19) VCF-style: chr18-29098323-G-A.
Identifiers: ClinVar variation 671032 (VCV000671032.2), dbSNP rs2276149, ClinGen allele CA15920487.